The following is an entry in ClinVar:

ClinVar aggregate classification (germline): Uncertain significance. Review status: criteria provided, single submitter (1 of 4 stars). 2 submissions from 2 submitters: Uncertain significance (1). 1 of the submissions does not count toward it. Last evaluated 2021-09-01.

Conditions:
Primary ciliary dyskinesia. Also called: Ciliary dyskinesia. Identifiers: Orphanet 244, MedGen C0008780, MONDO:0016575, HP:0012265.

Allele frequency attached by ClinVar (database versions not stated): gnomAD exomes below 0.00001; TOPMed below 0.00001; gnomAD 0.00001.
gnomAD v4.1: 2 of 1,613,860 alleles (0.00012%); highest among the groups gnomAD compares: East Asian, 0.0045%; no homozygotes.

Submissions (2):

Labcorp Genetics (formerly Invitae), Labcorp
Classification: Uncertain significance for Primary ciliary dyskinesia. Last evaluated: 2021-09-01. Review status: criteria provided, single submitter. Criteria: Invitae Variant Classification Sherloc (09022015). Collection method: clinical testing. Allele origin: germline.
Comment: This sequence change replaces leucine with arginine at codon 1596 of the DNAH5 protein (p.Leu1596Arg). The leucine residue is moderately conserved and there is a moderate physicochemical difference between leucine and arginine. This variant is not present in population databases (ExAC no frequency). This variant has not been reported in the literature in individuals affected with DNAH5-related conditions. Advanced modeling of protein sequence and biophysical properties (such as structural, functional, and spatial information, amino acid conservation, physicochemical variation, residue mobility, and thermodynamic stability) performed at Invitae indicates that this missense variant is not expected to disrupt DNAH5 protein function. In summary, the available evidence is currently insufficient to determine the role of this variant in disease. Therefore, it has been classified as a Variant of Uncertain Significance.

Natera, Inc.
Classification: Uncertain significance for Primary ciliary dyskinesia. Last evaluated: 2020-03-13. Review status: no assertion criteria provided. Collection method: clinical testing. Allele origin: germline. Not counted in ClinVar's aggregate classification.

NM_001369.3(DNAH5):c.4787T>G (p.Leu1596Arg)

Genes: DNAH5 (dynein axonemal heavy chain 5; minus strand), DNAH5-AS1 (DNAH5 antisense RNA 1; plus strand). Cytogenetic location: 5p15.2.
Variant type: single nucleotide variant.
Coding change: c.4787T>G on transcript NM_001369.3 (MANE Select); coding-DNA position 4787, T replaced by G.
Protein change: p.Leu1596Arg; replaces leucine 1596 with arginine.
Molecular consequence: missense variant.
Genome position (GRCh38, 1-based): chr5:13,862,557, A>C on the plus strand (T>G on the coding strand, the complement: DNAH5 is on the minus strand). VCF-style: chr5-13862557-A-C. GRCh37 (hg19) VCF-style: chr5-13862666-A-C.
Other names: short protein forms L1596R.
Identifiers: ClinVar variation 1056416 (VCV001056416.10), dbSNP rs1242688686, ClinGen allele CA359221536.